The following is an entry in ClinVar:

ClinVar aggregate classification (germline): Uncertain significance (1 of 4 stars; one submission).

Conditions:
Hereditary nonpolyposis colorectal neoplasms. Identifiers: MedGen C0009405, MeSH D003123.

Submission:

Labcorp Genetics (formerly Invitae), Labcorp
Classification: Uncertain significance for Hereditary nonpolyposis colorectal neoplasms. Last evaluated: 2022-10-08. Review status: criteria provided, single submitter. Criteria: Invitae Variant Classification Sherloc (09022015). Collection method: clinical testing. Allele origin: germline.
Comment: In summary, the available evidence is currently insufficient to determine the role of this variant in disease. Therefore, it has been classified as a Variant of Uncertain Significance. This sequence change replaces leucine, which is neutral and non-polar, with valine, which is neutral and non-polar, at codon 345 of the PMS2 protein (p.Leu345Val). This variant is not present in population databases (gnomAD no frequency). This variant has not been reported in the literature in individuals affected with PMS2-related conditions. Advanced modeling of protein sequence and biophysical properties (such as structural, functional, and spatial information, amino acid conservation, physicochemical variation, residue mobility, and thermodynamic stability) has been performed at Invitae for this missense variant, however the output from this modeling did not meet the statistical confidence thresholds required to predict the impact of this variant on PMS2 protein function.

NM_000535.7(PMS2):c.1033C>G (p.Leu345Val)

Gene: PMS2 (PMS1 homolog 2, mismatch repair system component; minus strand). Cytogenetic location: 7p22.1.
Variant type: single nucleotide variant.
Coding change: c.1033C>G on transcript NM_000535.7 (MANE Select); coding-DNA position 1033, C replaced by G.
Protein change: p.Leu345Val; replaces leucine 345 with valine.
Molecular consequence: missense variant. On other transcripts: non-coding transcript variant (1), intron variant (2).
Genome position (GRCh38, 1-based): chr7:5,989,911, G>C on the plus strand (C>G on the coding strand, the complement: PMS2 is on the minus strand). VCF-style: chr7-5989911-G-C. GRCh37 (hg19) VCF-style: chr7-6029542-G-C.
Other names: c.628C>G, p.Leu210Val (NM_001406890.1, NM_001406891.1, NM_001406892.1 and 17 more transcripts); c.715C>G, p.Leu239Val (NM_001406903.1, NM_001322007.2, NM_001322008.2 and 2 more transcripts); c.520C>G, p.Leu174Val (NM_001406904.1, NM_001406905.1); c.460C>G, p.Leu154Val (NM_001406909.1, NM_001322013.2); c.262C>G, p.Leu88Val (NM_001406911.1); c.583+2062C>G (NM_001322010.2); c.988+2062C>G (NM_001322006.2); c.100C>G, p.Leu34Val (NM_001322011.2, NM_001322012.2); and 9 more; short protein forms L154V, L174V, L210V, L223V, L233V, L239V, L242V, L279V.
Identifiers: ClinVar variation 1720930 (VCV001720930.5), dbSNP rs1583335395, ClinGen allele CA366742944.